The following is an entry in ClinVar:

ClinVar aggregate classification (germline): Uncertain significance (1 of 4 stars; one submission).

Submission:

Ambry Genetics
Classification: Uncertain significance. Last evaluated: 2022-04-19. Review status: criteria provided, single submitter. Criteria: Ambry Variant Classification Scheme 2023. Collection method: clinical testing. Allele origin: germline.
Comment: The p.D3761E variant (also known as c.11283C>G), located in coding exon 79 of the PRKDC gene, results from a C to G substitution at nucleotide position 11283. The aspartic acid at codon 3761 is replaced by glutamic acid, an amino acid with highly similar properties. This amino acid position is conserved. In addition, the in silico prediction for this alteration is inconclusive. Since supporting evidence is limited at this time, the clinical significance of this alteration remains unclear.

NM_006904.7(PRKDC):c.11283C>G (p.Asp3761Glu)

Gene: PRKDC (protein kinase, DNA-activated, catalytic subunit; minus strand). Cytogenetic location: 8q11.21.
Variant type: single nucleotide variant.
Coding change: c.11283C>G on transcript NM_006904.7 (MANE Select); coding-DNA position 11283, C replaced by G.
Protein change: p.Asp3761Glu; replaces aspartic acid 3761 with glutamic acid.
Molecular consequence: missense variant.
Genome position (GRCh38, 1-based): chr8:47,782,491, G>C on the plus strand (C>G on the coding strand, the complement: PRKDC is on the minus strand). VCF-style: chr8-47782491-G-C. GRCh37 (hg19) VCF-style: chr8-48695052-G-C.
Other names: c.11283C>G, p.Asp3761Glu (NM_001081640.2); short protein forms D3761E.
Identifiers: ClinVar variation 1727291 (VCV001727291.2), dbSNP rs1184088019, ClinGen allele CA371129941.
Genomic context (GRCh38, chr8:47,782,491, plus strand): 5'-GCAGGCGGAGTCTTGGGCCAGGATCCCATTCATGACCTGGAAGAGCTGCTCCACGCGCTG[G>C]TCCTGCCGCAGGTCCTCGCCACCCTTCACCAGGAAAGGGTGTTCCCTCTCGTCATGGCCA-3'
Protein context (NP_008835.5, residues 3751-3771): LVKGGEDLRQ[Asp3761Glu]QRVEQLFQVM